The following is an entry in ClinVar:

NM_000038.6(APC):c.7851A>C (p.Glu2617Asp)

Gene: APC (APC regulator of Wnt signaling pathway; plus strand). Cytogenetic location: 5q22.2.
Variant type: single nucleotide variant.
Coding change: c.7851A>C on transcript NM_000038.6 (MANE Select); coding-DNA position 7851, A replaced by C.
Protein change: p.Glu2617Asp; replaces glutamic acid 2617 with aspartic acid.
Molecular consequence: missense variant.
Genome position (GRCh38, 1-based): chr5:112,843,445, A>C. VCF-style: chr5-112843445-A-C. GRCh37 (hg19) VCF-style: chr5-112179142-A-C.
Other names: c.7851A>C, p.Glu2617Asp (NM_001127510.3, NM_001354895.2, NM_001407450.1); c.7797A>C, p.Glu2599Asp (NM_001127511.3); c.7905A>C, p.Glu2635Asp (NM_001354896.2, NM_001407447.1, NM_001407448.1 and 1 more transcripts); c.7881A>C, p.Glu2627Asp (NM_001354897.2); c.7776A>C, p.Glu2592Asp (NM_001354898.2); c.7767A>C, p.Glu2589Asp (NM_001354899.2); c.7728A>C, p.Glu2576Asp (NM_001354900.2); c.7674A>C, p.Glu2558Asp (NM_001354901.2, NM_001407453.1); and 11 more; short protein forms E2457D, E2526D, E2558D, E2599D, E2645D, E2334D, E2488D, E2589D.
Identifiers: ClinVar variation 2014516 (VCV002014516.4), dbSNP rs2149994874, ClinGen allele CA16038391.

ClinVar aggregate classification (germline): Uncertain significance (1 of 4 stars; one submission).

Conditions:
Familial adenomatous polyposis 1 (FAP1). Also called: FAMILIAL ADENOMATOUS POLYPOSIS 1, ATTENUATED; POLYPOSIS, ADENOMATOUS INTESTINAL. Identifiers: MedGen C2713442, MONDO:0021056, OMIM 175100. Disease mechanism: loss of function.

Submission:

Labcorp Genetics (formerly Invitae), Labcorp
Classification: Uncertain significance for Familial adenomatous polyposis 1. Last evaluated: 2022-08-31. Review status: criteria provided, single submitter. Criteria: Invitae Variant Classification Sherloc (09022015). Collection method: clinical testing. Allele origin: germline.
Comment: In summary, the available evidence is currently insufficient to determine the role of this variant in disease. Therefore, it has been classified as a Variant of Uncertain Significance. Algorithms developed to predict the effect of missense changes on protein structure and function are either unavailable or do not agree on the potential impact of this missense change (SIFT: "Tolerated"; PolyPhen-2: "Possibly Damaging"; Align-GVGD: "Class C0"). This variant has not been reported in the literature in individuals affected with APC-related conditions. This variant is not present in population databases (gnomAD no frequency). This sequence change replaces glutamic acid, which is acidic and polar, with aspartic acid, which is acidic and polar, at codon 2617 of the APC protein (p.Glu2617Asp).